The following is an entry in ClinVar:

NM_001111.5(ADAR):c.2344C>T (p.Gln782Ter)

Gene: ADAR (adenosine deaminase RNA specific; minus strand). Cytogenetic location: 1q21.3.
Variant type: single nucleotide variant.
Coding change: c.2344C>T on transcript NM_001111.5 (MANE Select); coding-DNA position 2344, C replaced by T.
Protein change: p.Gln782Ter; replaces glutamine 782 with a stop codon.
Molecular consequence: nonsense.
Genome position (GRCh38, 1-based): chr1:154,590,336, G>A on the plus strand (C>T on the coding strand, the complement: ADAR is on the minus strand). VCF-style: chr1-154590336-G-A. GRCh37 (hg19) VCF-style: chr1-154562812-G-A.
Other names: c.1459C>T, p.Gln487Ter (NM_001025107.3, NM_001193495.2, NM_001365046.1 and 3 more transcripts); c.2371C>T, p.Gln791Ter (NM_001365045.1); c.2344C>T, p.Gln782Ter (NM_015840.4); c.2287C>T, p.Gln763Ter (NM_015841.4); short protein forms Q487*, Q763*, Q782*, Q791*.
Identifiers: ClinVar variation 1073320 (VCV001073320.7), dbSNP rs2101588892, ClinGen allele CA342637454.

ClinVar aggregate classification (germline): Pathogenic (1 of 4 stars; one submission).

Conditions:
Symmetrical dyschromatosis of extremities (DSH). Also called: Dyschromatosis symmetrica hereditaria; RETICULATE ACROPIGMENTATION OF DOHI; SYMMETRIC DYSCHROMATOSIS OF THE EXTREMITIES; DYSCHROMATOSIS SYMMETRICA HEREDITARIA 1. Identifiers: Orphanet 41, MedGen C0406775, MONDO:0007483, OMIM 127400.
Aicardi-Goutieres syndrome 6 (AGS6). Identifiers: Orphanet 51, MedGen C3539013, MONDO:0014007, OMIM 615010.

Submission:

Labcorp Genetics (formerly Invitae), Labcorp
Classification: Pathogenic for Aicardi-Goutieres syndrome 6; Symmetrical dyschromatosis of extremities. Last evaluated: 2024-08-05. Review status: criteria provided, single submitter. Criteria: Invitae Variant Classification Sherloc (09022015). Collection method: clinical testing. Allele origin: germline.
Comment: This sequence change creates a premature translational stop signal (p.Gln782*) in the ADAR gene. It is expected to result in an absent or disrupted protein product. Loss-of-function variants in ADAR are known to be pathogenic (PMID: 22974014). This variant is not present in population databases (gnomAD no frequency). This variant has not been reported in the literature in individuals affected with ADAR-related conditions. ClinVar contains an entry for this variant (Variation ID: 1073320). Algorithms developed to predict the effect of sequence changes on RNA splicing suggest that this variant may create or strengthen a splice site. For these reasons, this variant has been classified as Pathogenic.

Literature cited by the submitters: PubMed 22974014.